The following is an entry in ClinVar:

ClinVar aggregate classification (germline): Likely pathogenic. Review status: reviewed by expert panel (3 of 4 stars). 3 submissions from 3 submitters: Likely pathogenic (1). 2 of the submissions do not count toward it. Last evaluated 2024-11-17.

Conditions:
Phenylketonuria (PKU). Also called: Phenylketonuria (PKU); FOLLING DISEASE; OLIGOPHRENIA PHENYLPYRUVICA; Phenylketonurias. Identifiers: Orphanet 716, MedGen C0031485, MONDO:0009861, OMIM 261600. Disease mechanism: loss of function.

Submissions (3):

ClinGen PAH Variant Curation Expert Panel
Classification: Likely pathogenic for Phenylketonuria. Last evaluated: 2024-11-17. Review status: reviewed by expert panel. Criteria: ClinGen PAH ACMG Specifications v1. Collection method: curation. Allele origin: germline. Inheritance: Autosomal recessive inheritance.
Comment: The c.1039C>T (p.Leu347Phe) variant in PAH has been reported twice in patients with PAH deficiency with BH4 deficiency excluded (PMID: 8659548, 21147011) (PP4_Moderate). One of these individuals was homozygous for the variant (PMID: 21147011) (PM3_Supporting). This variant is absent in population databases (PM2_Supporting). Multiple lines of computational evidence support a deleterious effect, including REVEL score 0.951 (PP3_Strong). In summary, this variant meets criteria to be classified as likely pathogenic for phenylketonuria in an autosomal recessive manner based on the ACMG/AMP criteria applied as specified by the PAH Expert Panel: PM2_Supporting, PP4_Moderate, PM3_Supporting, PP3_Strong.

Women's Health and Genetics/Laboratory Corporation of America, LabCorp
Classification: Uncertain significance. Last evaluated: 2025-01-27. Review status: criteria provided, single submitter. Criteria: LabCorp Variant Classification Summary - May 2015. Collection method: clinical testing. Allele origin: germline. Not counted in ClinVar's aggregate classification.
Comment: Variant summary: PAH c.1039C>T (p.Leu347Phe) results in a non-conservative amino acid change located in the Biopterin-dependent aromatic amino acid hydroxylase family domain (IPR019774) of the encoded protein sequence. Five of five in-silico tools predict a damaging effect of the variant on protein function. The variant was absent in 251228 control chromosomes. c.1039C>T has been reported in the literature in individuals affected with Phenylalanine Hydroxylase Deficiency (Phenylketonuria) as at least one homozygous genotype or without reported genotype or second variant (e.g. Dobrowolski_2011, Guldberg_1996, Guttler_1999, Ozturk_2022). These data indicate that the variant may be associated with disease. To our knowledge, no experimental evidence demonstrating an impact on protein function has been reported. The following publications have been ascertained in the context of this evaluation (PMID: 21147011, 8659548, 10429004, 35405047). ClinVar contains an entry for this variant (Variation ID: 102488). Based on the evidence outlined above, the variant was classified as VUS-possibly pathogenic.

DeBelle Laboratory for Biochemical Genetics, MUHC/MCH RESEARCH INSTITUTE
No classification provided. Review status: no classification provided. Collection method: not provided. Allele origin: not provided. Not counted in ClinVar's aggregate classification.

Literature cited by the submitters: PubMed 8659548 (cited by ClinGen PAH Variant Curation Expert Panel and Women's Health and Genetics/Laboratory Corporation of America, LabCorp); PubMed 21147011 (cited by ClinGen PAH Variant Curation Expert Panel and Women's Health and Genetics/Laboratory Corporation of America, LabCorp); PubMed 10429004 (cited by Women's Health and Genetics/Laboratory Corporation of America, LabCorp); PubMed 35405047 (cited by Women's Health and Genetics/Laboratory Corporation of America, LabCorp).

NM_000277.3(PAH):c.1039C>T (p.Leu347Phe)

Gene: PAH (phenylalanine hydroxylase; minus strand). Cytogenetic location: 12q23.2.
Variant type: single nucleotide variant.
Coding change: c.1039C>T on transcript NM_000277.3 (MANE Select); coding-DNA position 1039, C replaced by T.
Protein change: p.Leu347Phe; replaces leucine 347 with phenylalanine.
Molecular consequence: missense variant.
Genome position (GRCh38, 1-based): chr12:102,844,362, G>A on the plus strand (C>T on the coding strand, the complement: PAH is on the minus strand). VCF-style: chr12-102844362-G-A. GRCh37 (hg19) VCF-style: chr12-103238140-G-A.
Other names: c.1039C>T, p.Leu347Phe (NM_001354304.2); short protein forms L347F.
Identifiers: ClinVar variation 102488 (VCV000102488.5), dbSNP rs62516154, ClinGen allele CA229296.